The following is an entry in ClinVar:

NM_001282531.3(ADNP):c.3068G>A (p.Arg1023Lys)

Gene: ADNP (activity dependent neuroprotector homeobox; minus strand). Cytogenetic location: 20q13.13.
Variant type: single nucleotide variant.
Coding change: c.3068G>A on transcript NM_001282531.3 (MANE Select); coding-DNA position 3068, G replaced by A.
Protein change: p.Arg1023Lys; replaces arginine 1023 with lysine.
Molecular consequence: missense variant.
Genome position (GRCh38, 1-based): chr20:50,891,646, C>T on the plus strand (G>A on the coding strand, the complement: ADNP is on the minus strand). VCF-style: chr20-50891646-C-T. GRCh37 (hg19) VCF-style: chr20-49508183-C-T.
Other names: c.3068G>A, p.Arg1023Lys (NM_001282532.2, NM_001347511.2, NM_015339.5 and 1 more transcripts); short protein forms R1023K.
Identifiers: ClinVar variation 1799445 (VCV001799445.2), dbSNP rs1176401097, ClinGen allele CA408967170.

ClinVar aggregate classification (germline): Uncertain significance (1 of 4 stars; one submission).

Conditions:
Inborn genetic diseases. Identifiers: MedGen C0950123, MeSH D030342.

Allele frequency attached by ClinVar (database versions not stated): TOPMed 0.00002.

Submission:

Ambry Genetics
Classification: Uncertain significance for Inborn genetic diseases. Last evaluated: 2019-02-23. Review status: criteria provided, single submitter. Criteria: Ambry Variant Classification Scheme 2023. Collection method: clinical testing. Allele origin: germline.
Comment: The p.R1023K variant (also known as c.3068G>A), located in coding exon 3 of the ADNP gene, results from a G to A substitution at nucleotide position 3068. The arginine at codon 1023 is replaced by lysine, an amino acid with highly similar properties. This amino acid position is not well conserved in available vertebrate species. In addition, this alteration is predicted to be tolerated by in silico analysis. Since supporting evidence is limited at this time, the clinical significance of this alteration remains unclear.